The following is an entry in ClinVar:

ClinVar aggregate classification (germline): Uncertain significance (1 of 4 stars; one submission).

Conditions:
Epidermolysis bullosa simplex 5B, with muscular dystrophy (EBS5B). Also called: Epidermolysis bullosa simplex with muscular dystrophy; EPIDERMOLYSIS BULLOSA SIMPLEX AND LIMB-GIRDLE MUSCULAR DYSTROPHY. Identifiers: Orphanet 257, MedGen C2931072, MONDO:0009181, OMIM 226670.
Epidermolysis bullosa simplex 5C, with pyloric atresia (EBS5C). Also called: PLEC1-Related Epidermolysis Bullosa with Pyloric Atresia; PLEC-Related Epidermolysis Bullosa with Pyloric Atresia; Epidermolysis bullosa simplex with pyloric atresia. Identifiers: Orphanet 158684, MedGen C2677349, MONDO:0012807, OMIM 612138.
Autosomal recessive limb-girdle muscular dystrophy type 2Q (LGMDR17). Also called: MUSCULAR DYSTROPHY, LIMB-GIRDLE, AUTOSOMAL RECESSIVE 17. Identifiers: Orphanet 254361, MedGen C3150989, MONDO:0013390, OMIM 613723.
Epidermolysis bullosa simplex, Ogna type (EBS5A). Also called: Pidermolysis bullosa simplex 5A, Ogna type; EPIDERMOLYSIS BULLOSA SIMPLEX 5A, OGNA TYPE. Identifiers: Orphanet 79401, MedGen C0432317, MONDO:0007555, OMIM 131950.
Epidermolysis bullosa simplex with nail dystrophy (EBS5D). Identifiers: MedGen C4225309, MONDO:0014661, OMIM 616487.

Allele frequency attached by ClinVar (database versions not stated): ExAC 0.00001; gnomAD 0.00001; gnomAD exomes 0.00002; TOPMed 0.00004.
gnomAD v4.1: 22 of 1,582,674 alleles (0.0014%); highest among the groups gnomAD compares: East Asian, 0.0067%; no homozygotes.

Submission:

Labcorp Genetics (formerly Invitae), Labcorp
Classification: Uncertain significance for Autosomal recessive limb-girdle muscular dystrophy type 2Q; Epidermolysis bullosa simplex, Ogna type; Epidermolysis bullosa simplex with nail dystrophy; Epidermolysis bullosa simplex 5C, with pyloric atresia; Epidermolysis bullosa simplex 5B, with muscular dystrophy. Last evaluated: 2025-07-27. Review status: criteria provided, single submitter. Criteria: Invitae Variant Classification Sherloc (09022015). Collection method: clinical testing. Allele origin: germline.
Comment: This sequence change replaces arginine, which is basic and polar, with cysteine, which is neutral and slightly polar, at codon 3892 of the PLEC protein (p.Arg3892Cys). This variant is present in population databases (rs782679722, gnomAD 0.007%). This variant has not been reported in the literature in individuals affected with PLEC-related conditions. ClinVar contains an entry for this variant (Variation ID: 1389111). An algorithm developed to predict the effect of missense changes on protein structure and function (PolyPhen-2) suggests that this variant is likely to be tolerated. In summary, the available evidence is currently insufficient to determine the role of this variant in disease. Therefore, it has been classified as a Variant of Uncertain Significance.

NM_201384.3(PLEC):c.11593C>T (p.Arg3865Cys)

Gene: PLEC (plectin; minus strand). Cytogenetic location: 8q24.3.
Variant type: single nucleotide variant.
Coding change: c.11593C>T on transcript NM_201384.3 (MANE Select); coding-DNA position 11593, C replaced by T.
Protein change: p.Arg3865Cys; replaces arginine 3865 with cysteine.
Molecular consequence: missense variant.
Genome position (GRCh38, 1-based): chr8:143,918,228, G>A on the plus strand (C>T on the coding strand, the complement: PLEC is on the minus strand). VCF-style: chr8-143918228-G-A. GRCh37 (hg19) VCF-style: chr8-144992396-G-A.
Other names: c.11674C>T, p.Arg3892Cys (NM_000445.5); c.11551C>T, p.Arg3851Cys (NM_201378.4); c.11527C>T, p.Arg3843Cys (NM_201379.3); c.12004C>T, p.Arg4002Cys (NM_201380.4); c.11497C>T, p.Arg3833Cys (NM_201381.3); c.11593C>T, p.Arg3865Cys (NM_201382.4); c.11605C>T, p.Arg3869Cys (NM_201383.3); short protein forms R3851C, R3833C, R3865C, R3843C, R3869C, R4002C, R3892C.
Identifiers: ClinVar variation 1389111 (VCV001389111.6), dbSNP rs782679722, ClinGen allele CA4924304.